The following is an entry in ClinVar:

ClinVar aggregate classification (germline): Likely pathogenic (1 of 4 stars; one submission).

Conditions:
Pigmentary pallidal degeneration (NBIA1). Also called: Neuroaxonal dystrophy, late infantile; Hallervorden-Spatz disease; Pantothenate Kinase-Associated Neurodegeneration; Neurodegeneration with brain iron accumulation 1; PKAN NEUROAXONAL DYSTROPHY, JUVENILE-ONSET; HARP SYNDROME. Identifiers: Orphanet 157850, MedGen C0018523, MONDO:0009319, OMIM 234200.

Submission:

Neuberg Centre For Genomic Medicine, NCGM
Classification: Likely pathogenic for Pigmentary pallidal degeneration. Review status: criteria provided, single submitter. Criteria: ACMG Guidelines, 2015. Collection method: clinical testing. Allele origin: germline. Inheritance: Autosomal recessive inheritance. Affected: yes.
Comment: The splice site acceptor c.982-2A>G variant has not been reported previously as a pathogenic variant nor as a benign variant, to our knowledge. The variant is novel (not in any individuals) in 1000 Genomes and gnomAD. The nucleotide change in PANK2 is predicted as conserved by GERP++ and PhyloP across 100 vertebrates. Loss of function variants have been previously reported to be disease causing. For these reasons, this variant has been classified as Likely Pathogenic

NM_001386393.1(PANK2):c.652-2A>G

Gene: PANK2 (pantothenate kinase 2; plus strand). Cytogenetic location: 20p13.
Variant type: single nucleotide variant.
Coding change: c.652-2A>G on transcript NM_001386393.1 (MANE Select); the canonical splice acceptor site of the intron before coding-DNA position 652, A replaced by G.
Molecular consequence: splice acceptor variant.
Genome position (GRCh38, 1-based): chr20:3,910,575, A>G. VCF-style: chr20-3910575-A-G. GRCh37 (hg19) VCF-style: chr20-3891222-A-G.
Other names: c.109-2A>G (NM_024960.6, NM_001324191.2, NM_153640.4); c.982-2A>G (NM_153638.4); c.-327-2A>G (NM_001324193.2).
Identifiers: ClinVar variation 2585485 (VCV002585485.1), dbSNP rs2515498921, ClinGen allele CA408114320.
Genomic context (GRCh38, chr20:3,910,575, plus strand): 5'-AATGGAATTTTTGTTTCTGTTGGCTTATTAAAAAGTCTGAGTACATTCTTATTTCATTAC[A>G]GATAGGTGATCTTCAGCTTTGCAAACTGGATGAACTAGATTGCTTGATCAAAGGAATTTT-3'